The following is an entry in ClinVar:

NM_001330260.2(SCN8A):c.1168TTC[1] (p.Phe391del)

Gene: SCN8A (sodium voltage-gated channel alpha subunit 8; plus strand). Cytogenetic location: 12q13.13.
Variant type: Microsatellite.
Coding change: c.1168TTC[1] on transcript NM_001330260.2 (MANE Select); one copy of the 3-base unit TTC starting at c.1168; the reference has two copies in a row; one copy, 3 bases deleted.
Protein change: p.Phe391del; deletes phenylalanine 391.
Molecular consequence: inframe deletion.
Genome position (GRCh38, 1-based): chr12:51,705,453-51,705,455, TTC deleted; deleting any 3 consecutive bases within chr12:51,705,448-51,705,455 gives the same sequence; the position shown is the placement nearest the transcript's 3' end. VCF-style (leftmost placement, unchanged base first): chr12-51705447-ATCT-A. GRCh37 (hg19) VCF-style: chr12-52099231-ATCT-A.
Other names: c.1168TTC[1], p.Phe391del (NM_001177984.3, NM_001369788.1, NM_014191.4); short protein forms F391del.
Identifiers: ClinVar variation 3346179 (VCV003346179.1).
Genomic context (GRCh38, chr12:51,705,447, plus strand): 5'-TGACTCAGAAAATGGCCTTTGTCTTTGCAGACTTTACGAGCAGCCGGGAAAACATACATG[ATCT>A]TCTTCGTCTTGGTCATCTTTGTGGGTTCTTTCTATCTGGTGAACTTGATCTTGGCTGTGG-3'

ClinVar aggregate classification (germline): Uncertain significance (0 of 4 stars; one submission).

Conditions:
SCN8A-related disorder.

Submission:

PreventionGenetics, part of Exact Sciences
Classification: Uncertain significance for SCN8A-related condition. Last evaluated: 2024-06-18. Review status: no assertion criteria provided. Collection method: clinical testing. Allele origin: germline.
Comment: The SCN8A c.1171_1173delTTC variant is predicted to result in an in-frame deletion (p.Phe391del). To our knowledge, this variant has not been reported in the literature or in a large population database, indicating this variant is rare. In-frame deletions have been reported in patients with SCN8A-related disease, and are proposed to be pathogenic in mouse models (Wong et al. 2021. PubMed ID: 34867351). At this time, the clinical significance of this variant is uncertain due to the absence of conclusive functional and genetic evidence.